The following is an entry in ClinVar:

ClinVar aggregate classification (germline): Uncertain significance. Review status: criteria provided, multiple submitters, no conflicts (2 of 4 stars). 3 submissions from 3 submitters: Uncertain significance (3). Last evaluated 2023-04-06.

Conditions:
Dilated cardiomyopathy 1G (CMD1G). Identifiers: Orphanet 154, MedGen C1858763, MONDO:0011400, OMIM 604145.
Autosomal recessive limb-girdle muscular dystrophy type 2J (LGMDR10). Also called: Limb-girdle muscular dystrophy, type 2J; MUSCULAR DYSTROPHY, LIMB-GIRDLE, AUTOSOMAL RECESSIVE 10. Identifiers: Orphanet 140922, MedGen C1837342, MONDO:0012127, OMIM 608807.

Submissions (3):

Illumina Laboratory Services, Illumina
Classification: Uncertain significance for Dilated cardiomyopathy 1G. Last evaluated: 2023-04-06. Review status: criteria provided, single submitter. Criteria: ICSLVariantClassificationCriteria RUGD 01 April 2020. Collection method: clinical testing. Allele origin: unknown.
Comment: The TTN c.105772C>T (p.Pro35258Ser) missense variant results in the substitution of proline at amino acid position 35258 with serine. To our knowledge, this variant has not been reported in the peer-reviewed literature. This variant is not found in version 2.1.1 or version 3.1.2 of the Genome Aggregation Database. It is located in exon 358 of the meta transcript of titin and within the M-band; this exon is highly expressed in cardiac tissue (PMID: 25589632). Based on the available evidence, the c.105772C>T (p.Pro35258Ser) variant is classified as a variant of uncertain significance for dilated cardiomyopathy.

GeneDx
Classification: Uncertain significance. Last evaluated: 2023-02-07. Review status: criteria provided, single submitter. Criteria: GeneDx Variant Classification Process June 2021. Collection method: clinical testing. Allele origin: germline. Affected: yes.
Comment: Not observed at significant frequency in large population cohorts (gnomAD); Missense variant in a gene in which most reported pathogenic variants are truncating/loss of function; Has not been previously published as pathogenic or benign to our knowledge

Labcorp Genetics (formerly Invitae), Labcorp
Classification: Uncertain significance for Dilated cardiomyopathy 1G; Autosomal recessive limb-girdle muscular dystrophy type 2J. Last evaluated: 2022-12-26. Review status: criteria provided, single submitter. Criteria: Invitae Variant Classification Sherloc (09022015). Collection method: clinical testing. Allele origin: germline.
Comment: In summary, the available evidence is currently insufficient to determine the role of this variant in disease. Therefore, it has been classified as a Variant of Uncertain Significance. This variant is located in the M band of TTN (PMID: 25589632). Variants in this region may be relevant for neuromuscular disorders, but have not been definitively shown to cause cardiomyopathy (PMID: 23975875). Experimental studies and prediction algorithms are not available or were not evaluated, and the functional significance of this variant is currently unknown. This variant has not been reported in the literature in individuals affected with TTN-related conditions. This variant is not present in population databases (gnomAD no frequency). This sequence change replaces proline, which is neutral and non-polar, with serine, which is neutral and polar, at codon 35258 of the TTN protein (p.Pro35258Ser).

Literature cited by the submitters: PubMed 25589632 (cited by Labcorp Genetics (formerly Invitae), Labcorp); PubMed 23975875 (cited by Labcorp Genetics (formerly Invitae), Labcorp).

NM_001267550.2(TTN):c.105772C>T (p.Pro35258Ser)

Genes: TTN (titin; minus strand), TTN-AS1 (TTN antisense RNA 1; plus strand), LOC129935183 (ATAC-STARR-seq lymphoblastoid active region 16808; plus strand). Cytogenetic location: 2q31.2.
Variant type: single nucleotide variant.
Coding change: c.105772C>T on transcript NM_001267550.2 (MANE Select); coding-DNA position 105772, C replaced by T.
Protein change: p.Pro35258Ser; replaces proline 35258 with serine.
Molecular consequence: missense variant.
Genome position (GRCh38, 1-based): chr2:178,530,843, G>A on the plus strand (C>T on the coding strand, the complement: TTN is on the minus strand). VCF-style: chr2-178530843-G-A. GRCh37 (hg19) VCF-style: chr2-179395570-G-A.
Other names: c.100849C>T, p.Pro33617Ser (NM_001256850.1); c.78577C>T, p.Pro26193Ser (NM_003319.4); c.98068C>T, p.Pro32690Ser (NM_133378.4); c.78952C>T, p.Pro26318Ser (NM_133432.3); c.79153C>T, p.Pro26385Ser (NM_133437.4); short protein forms P26193S, P26318S, P26385S, P32690S, P33617S, P35258S.
Identifiers: ClinVar variation 2574756 (VCV002574756.3), dbSNP rs886055220, ClinGen allele CA349407813.
Genomic context (GRCh38, chr2:178,530,843, plus strand): 5'-GAACTTTCTCTGTTGGTGTTGGTTTTGTCTCTGTGGGTGATACGGCTTTCGGGTGAGAAG[G>A]TTCTGGAGATTTCACTCGTTTTGGAGACTTAACTGCTTCTGGGGATTTCACCCGAGGCTC-3'
Protein context (NP_001254479.2, residues 35248-35268): KSPKRVKSPE[Pro35258Ser]SHPKAVSPTE